The following is an entry in ClinVar:

ClinVar aggregate classification (germline): Uncertain significance (1 of 4 stars; one submission).

Allele frequency attached by ClinVar (database versions not stated): gnomAD exomes below 0.00001 and 0.00001.
gnomAD v4.1: 2 of 1,614,122 alleles (0.00012%); highest among the groups gnomAD compares: Admixed American, 0.0033%; no homozygotes.

Submission:

Labcorp Genetics (formerly Invitae), Labcorp
Classification: Uncertain significance. Last evaluated: 2021-11-14. Review status: criteria provided, single submitter. Criteria: Invitae Variant Classification Sherloc (09022015). Collection method: clinical testing. Allele origin: germline.
Comment: This sequence change replaces phenylalanine, which is neutral and non-polar, with cysteine, which is neutral and slightly polar, at codon 210 of the MAK protein (p.Phe210Cys). This variant is present in population databases (no rsID available, gnomAD 0.006%). This variant has not been reported in the literature in individuals affected with MAK-related conditions. Experimental studies and prediction algorithms are not available or were not evaluated, and the functional significance of this variant is currently unknown. In summary, the available evidence is currently insufficient to determine the role of this variant in disease. Therefore, it has been classified as a Variant of Uncertain Significance.

NM_001242957.3(MAK):c.629T>G (p.Phe210Cys)

Gene: MAK (male germ cell associated kinase; minus strand). Cytogenetic location: 6p24.2.
Variant type: single nucleotide variant.
Coding change: c.629T>G on transcript NM_001242957.3 (MANE Select); coding-DNA position 629, T replaced by G.
Protein change: p.Phe210Cys; replaces phenylalanine 210 with cysteine.
Molecular consequence: missense variant. On other transcripts: non-coding transcript variant (2).
Genome position (GRCh38, 1-based): chr6:10,803,754, A>C on the plus strand (T>G on the coding strand, the complement: MAK is on the minus strand). VCF-style: chr6-10803754-A-C. GRCh37 (hg19) VCF-style: chr6-10803987-A-C.
Other names: c.629T>G, p.Phe210Cys (NM_001242385.2, NM_005906.6); c.527T>G, p.Phe176Cys (NM_001377262.1); short protein forms F210C, F176C.
Identifiers: ClinVar variation 1375625 (VCV001375625.3), dbSNP rs1389203511, ClinGen allele CA362720422.